The following is an entry in ClinVar:

ClinVar aggregate classification (germline): Likely benign (1 of 4 stars; one submission).

gnomAD v4.1: 135 of 1,607,962 alleles (0.0084%); highest among the groups gnomAD compares: African/African-American, 0.023%; no homozygotes.

Submission:

Mayo Clinic Laboratories, Mayo Clinic
Classification: Likely benign. Last evaluated: 2025-08-12. Review status: criteria provided, single submitter. Criteria: ACMG Guidelines, 2015. Collection method: clinical testing. Allele origin: germline. Observed: 1 variant allele.
Comment: BP4, BP7

NM_003126.4(SPTA1):c.5566-16C>T

Gene: SPTA1 (spectrin alpha, erythrocytic 1; minus strand). Cytogenetic location: 1q23.1.
Variant type: single nucleotide variant.
Coding change: c.5566-16C>T on transcript NM_003126.4 (MANE Select); 16 bases into the intron before coding-DNA position 5566, C replaced by T.
Molecular consequence: intron variant.
Genome position (GRCh38, 1-based): chr1:158,627,739, G>A on the plus strand (C>T on the coding strand, the complement: SPTA1 is on the minus strand). VCF-style: chr1-158627739-G-A. GRCh37 (hg19) VCF-style: chr1-158597529-G-A.
Other names: p.?.
Identifiers: ClinVar variation 4683601 (VCV004683601.1).